The following is an entry in ClinVar:

NM_021927.3(GUF1):c.251T>C (p.Leu84Ser)

Gene: GUF1 (GTP binding elongation factor GUF1; plus strand). Cytogenetic location: 4p12.
Variant type: single nucleotide variant.
Coding change: c.251T>C on transcript NM_021927.3 (MANE Select); coding-DNA position 251, T replaced by C.
Protein change: p.Leu84Ser; replaces leucine 84 with serine.
Molecular consequence: missense variant. On other transcripts: 5 prime UTR variant (1), intron variant (1).
Genome position (GRCh38, 1-based): chr4:44,680,526, T>C. VCF-style: chr4-44680526-T-C. GRCh37 (hg19) VCF-style: chr4-44682543-T-C.
Other names: c.-718T>C (NM_001345867.2); c.251T>C, p.Leu84Ser (NM_001345868.2); c.-695-168T>C (NM_001345869.2); short protein forms L84S.
Identifiers: ClinVar variation 1426982 (VCV001426982.8), dbSNP rs767954729, ClinGen allele CA2905226.

ClinVar aggregate classification (germline): Uncertain significance (1 of 4 stars; one submission).

Allele frequency attached by ClinVar (database versions not stated): ExAC 0.00001.
gnomAD v4.1: 1 of 1,607,998 alleles (0.000062%); highest among the groups gnomAD compares: Admixed American, 0.0017%; no homozygotes.

Submission:

Labcorp Genetics (formerly Invitae), Labcorp
Classification: Uncertain significance. Last evaluated: 2022-07-19. Review status: criteria provided, single submitter. Criteria: Invitae Variant Classification Sherloc (09022015). Collection method: clinical testing. Allele origin: germline.
Comment: ClinVar contains an entry for this variant (Variation ID: 1426982). This variant has not been reported in the literature in individuals affected with GUF1-related conditions. This variant is present in population databases (rs767954729, gnomAD 0.003%). This sequence change replaces leucine, which is neutral and non-polar, with serine, which is neutral and polar, at codon 84 of the GUF1 protein (p.Leu84Ser). Algorithms developed to predict the effect of missense changes on protein structure and function are either unavailable or do not agree on the potential impact of this missense change (SIFT: "Deleterious"; PolyPhen-2: "Probably Damaging"; Align-GVGD: "Class C0"). In summary, the available evidence is currently insufficient to determine the role of this variant in disease. Therefore, it has been classified as a Variant of Uncertain Significance.